The following is an entry in ClinVar:

ClinVar aggregate classification (germline): Uncertain significance (1 of 4 stars; one submission).

Submission:

GeneDx
Classification: Uncertain significance. Last evaluated: 2025-06-09. Review status: criteria provided, single submitter. Criteria: GeneDx Variant Classification Process June 2021. Collection method: clinical testing. Allele origin: germline. Affected: yes.
Comment: Not observed at significant frequency in large population cohorts (gnomAD); Frameshift variant predicted to result in protein truncation or nonsense mediated decay in a gene or region of a gene for which loss of function is not a well-established mechanism of disease; Has not been previously published as pathogenic or benign to our knowledge

NM_004082.5(DCTN1):c.1293_1296dup (p.Ala433fs)

Gene: DCTN1 (dynactin subunit 1; minus strand). Cytogenetic location: 2p13.1.
Variant type: Duplication.
Coding change: c.1293_1296dup on transcript NM_004082.5 (MANE Select); coding-DNA positions 1293 to 1296, 4 bases duplicated (TGCT; older notation c.1293_1296dupTGCT).
Protein change: p.Ala433fs; shifts the reading frame from alanine 433.
Molecular consequence: frameshift variant. On other transcripts: non-coding transcript variant (1).
Genome position (GRCh38, 1-based): chr2:74,370,061-74,370,064, AGCA duplicated on the plus strand (TGCT on the coding strand, the reverse complement: DCTN1 is on the minus strand). VCF-style (leftmost placement, unchanged base first): chr2-74370060-C-CAGCA. GRCh37 (hg19) VCF-style: chr2-74597187-C-CAGCA.
Other names: c.1233_1236dup, p.Ala413fs (NM_001135040.3); c.891_894dup, p.Ala299fs (NM_001135041.3, NM_023019.4); c.1182_1185dup, p.Ala396fs (NM_001190836.2); c.1272_1275dup, p.Ala426fs (NM_001190837.2); c.1242_1245dup, p.Ala416fs (NM_001378991.1); c.1224_1227dup, p.Ala410fs (NM_001378992.1); short protein forms A299fs, A396fs, A410fs, A413fs, A416fs, A426fs, A433fs.
Identifiers: ClinVar variation 4537656 (VCV004537656.1).